The following is an entry in ClinVar:

ClinVar aggregate classification (germline): Uncertain significance (1 of 4 stars; one submission).

Submission:

Labcorp Genetics (formerly Invitae), Labcorp
Classification: Uncertain significance. Last evaluated: 2021-12-08. Review status: criteria provided, single submitter. Criteria: Invitae Variant Classification Sherloc (09022015). Collection method: clinical testing. Allele origin: germline.
Comment: This sequence change affects a donor splice site in intron 3 of the ABRAXAS1 gene. It is expected to disrupt RNA splicing. Variants that disrupt the donor or acceptor splice site typically lead to a loss of protein function (PMID: 16199547), however the current clinical and genetic evidence is not sufficient to establish whether loss-of-function variants in ABRAXAS1 cause disease. This variant is not present in population databases (gnomAD no frequency). This variant has not been reported in the literature in individuals affected with ABRAXAS1-related conditions. Algorithms developed to predict the effect of sequence changes on RNA splicing suggest that this variant may disrupt the consensus splice site. In summary, the available evidence is currently insufficient to determine the role of this variant in disease. Therefore, it has been classified as a Variant of Uncertain Significance.

Literature cited by the submitters: PubMed 16199547.

NM_139076.3(ABRAXAS1):c.215+1G>A

Gene: ABRAXAS1 (abraxas 1, BRCA1 A complex subunit; minus strand). Cytogenetic location: 4q21.23.
Variant type: single nucleotide variant.
Coding change: c.215+1G>A on transcript NM_139076.3 (MANE Select); the canonical splice donor site of the intron after coding-DNA position 215, G replaced by A.
Molecular consequence: splice donor variant.
Genome position (GRCh38, 1-based): chr4:83,476,642, C>T on the plus strand (G>A on the coding strand, the complement: ABRAXAS1 is on the minus strand). VCF-style: chr4-83476642-C-T. GRCh37 (hg19) VCF-style: chr4-84397795-C-T.
Other names: c.-46+1G>A (NM_001345962.2).
Identifiers: ClinVar variation 1467056 (VCV001467056.6), dbSNP rs2110044831, ClinGen allele CA357261466.